The following is an entry in ClinVar:

ClinVar aggregate classification (germline): Benign. Review status: criteria provided, multiple submitters, no conflicts (2 of 4 stars). 2 submissions from 2 submitters: Benign (2). Last evaluated 2019-06-06.

Conditions:
Hypermanganesemia with dystonia, polycythemia, and cirrhosis (HMNDYT1). Also called: Hepatic Cirrhosis, Dystonia, Polycythemia and Hypermanganesemia; Cirrhosis - dystonia - polycythemia - hypermanganesemia syndrome; Hypermanganesemia with Dystonia 1. Identifiers: Orphanet 309854, MedGen C2750442, MONDO:0013208, OMIM 613280.

Allele frequency attached by ClinVar (database versions not stated): gnomAD 0.01636 and 0.01743; TOPMed 0.01798; 1000 Genomes Project 0.01817; 1000 Genomes Project 30x 0.01921.
gnomAD v4.1: 4,232 of 1,445,666 alleles (0.29%); highest among the groups gnomAD compares: African/African-American, 5.7%; 106 homozygotes.

Submissions (2):

GeneDx
Classification: Benign. Last evaluated: 2019-06-06. Review status: criteria provided, single submitter. Criteria: GeneDx Variant Classification Process June 2021. Collection method: clinical testing. Allele origin: germline. Affected: yes.

Illumina Laboratory Services, Illumina
Classification: Benign for Hypermanganesemia with dystonia, polycythemia, and cirrhosis. Last evaluated: 2018-01-13. Review status: criteria provided, single submitter. Criteria: ICSL Variant Classification Criteria 13 December 2019. Collection method: clinical testing. Allele origin: germline.
Comment: This variant was observed in the ICSL laboratory as part of a predisposition screen in an ostensibly healthy population. It had not been previously curated by ICSL or reported in the Human Gene Mutation Database (HGMD: prior to June 1st, 2018), and was therefore a candidate for classification through an automated scoring system. Utilizing variant allele frequency, disease prevalence and penetrance estimates, and inheritance mode, an automated score was calculated to assess if this variant is too frequent to cause the disease. Based on the score and internal cut-off values, a variant classified as benign is not then subjected to further curation. The score for this variant resulted in a classification of benign for this disease.

NM_018713.3(SLC30A10):c.-54C>A

Gene: SLC30A10 (solute carrier family 30 member 10; minus strand). Cytogenetic location: 1q41.
Variant type: single nucleotide variant.
Coding change: c.-54C>A on transcript NM_018713.3 (MANE Select); 54 bases upstream of the start codon, C replaced by A.
Molecular consequence: 5 prime UTR variant. On other transcripts: non-coding transcript variant (1), intron variant (1).
Genome position (GRCh38, 1-based): chr1:219,928,494, G>T on the plus strand (C>A on the coding strand, the complement: SLC30A10 is on the minus strand). VCF-style: chr1-219928494-G-T. GRCh37 (hg19) VCF-style: chr1-220101836-G-T.
Other names: c.452-1389C>A (NM_001376929.1).
Identifiers: ClinVar variation 295597 (VCV000295597.8), dbSNP rs115645353, ClinGen allele CA10610093.